The following is an entry in ClinVar:

NM_005865.4(PRSS16):c.118A>G (p.Ser40Gly)

Gene: PRSS16 (serine protease 16; plus strand). Cytogenetic location: 6p22.1.
Variant type: single nucleotide variant.
Coding change: c.118A>G on transcript NM_005865.4 (MANE Select); coding-DNA position 118, A replaced by G.
Protein change: p.Ser40Gly; replaces serine 40 with glycine.
Molecular consequence: missense variant.
Genome position (GRCh38, 1-based): chr6:27,247,929, A>G. VCF-style: chr6-27247929-A-G. GRCh37 (hg19) VCF-style: chr6-27215708-A-G.
Other names: short protein forms S40G.
Identifiers: ClinVar variation 3765638 (VCV003765638.1).

ClinVar aggregate classification (germline): Uncertain significance (1 of 4 stars; one submission).

Submission:

Greenwood Genetic Center Diagnostic Laboratories, Greenwood Genetic Center
Classification: Uncertain significance. Last evaluated: 2024-09-10. Review status: criteria provided, single submitter. Criteria: ACMG Guidelines, 2015. Collection method: clinical testing. Allele origin: germline. Affected: yes.
Comment: Gene of Uncertain Significance